The following is an entry in ClinVar:

NM_002392.6(MDM2):c.1446A>G (p.Pro482=)

Gene: MDM2 (MDM2 proto-oncogene; plus strand). Cytogenetic location: 12q15.
Variant type: single nucleotide variant.
Coding change: c.1446A>G on transcript NM_002392.6 (MANE Select); coding-DNA position 1446, A replaced by G.
Protein change: p.Pro482=; no amino-acid change (proline 482 retained).
Molecular consequence: synonymous variant.
Genome position (GRCh38, 1-based): chr12:68,839,801, A>G. VCF-style: chr12-68839801-A-G. GRCh37 (hg19) VCF-style: chr12-69233581-A-G.
Other names: c.1287A>G, p.Pro429= (NM_001145337.3); c.1281A>G, p.Pro427= (NM_001145339.2); c.840A>G, p.Pro280= (NM_001145340.3); c.918A>G, p.Pro306= (NM_001278462.2); c.1428A>G, p.Pro476= (NM_001367990.1).
Identifiers: ClinVar variation 936578 (VCV000936578.9), dbSNP rs1883605122, ClinGen allele CA480413705.

ClinVar aggregate classification (germline): Uncertain significance (1 of 4 stars; one submission).

Conditions:
Accelerated tumor formation, susceptibility to (ACTFS). Identifiers: MedGen C3280690, OMIM 614401, MONDO:0013733.

Allele frequency attached by ClinVar (database versions not stated): gnomAD exomes below 0.00001.
gnomAD v4.1: 1 of 1,614,158 alleles (0.000062%); highest among the groups gnomAD compares: Non-Finnish European, 0.000085%; no homozygotes.

Submission:

Labcorp Genetics (formerly Invitae), Labcorp
Classification: Uncertain significance for Accelerated tumor formation, susceptibility to. Last evaluated: 2019-10-09. Review status: criteria provided, single submitter. Criteria: Invitae Variant Classification Sherloc (09022015). Collection method: clinical testing. Allele origin: germline.
Comment: In summary, the available evidence is currently insufficient to determine the role of this variant in disease. Therefore, it has been classified as a Variant of Uncertain Significance. Algorithms developed to predict the effect of sequence changes on RNA splicing suggest that this variant may create or strengthen a splice site, but this prediction has not been confirmed by published transcriptional studies. This variant has not been reported in the literature in individuals with MDM2-related conditions. This variant is not present in population databases (ExAC no frequency). This sequence change affects codon 482 of the MDM2 mRNA. It is a 'silent' change, meaning that it does not change the encoded amino acid sequence of the MDM2 protein.